The following is an entry in ClinVar:

ClinVar aggregate classification (germline): Likely benign. Review status: criteria provided, multiple submitters, no conflicts (2 of 4 stars). 2 submissions from 2 submitters: Likely benign (2). Last evaluated 2026-07-28.

Conditions:
Zellweger spectrum disorders (ZS). Also called: Zellweger Spectrum Disorder; Zellweger Spectrum; Zellweger Spectrum Disorder (ZSD); Zellweger syndrome. Identifiers: Orphanet 912, MedGen C0043459, MONDO:0019609.
PEX1-related disorder. Also called: PEX1-related condition.

gnomAD v4.1: 1 of 1,613,864 alleles (0.000062%); highest among the groups gnomAD compares: Non-Finnish European, 0.000085%; no homozygotes.

Submissions (2):

PreventionGenetics, part of Exact Sciences
Classification: Likely benign for PEX1-related condition. Last evaluated: 2026-07-28. Review status: criteria provided, single submitter. Criteria: ACMG Guidelines, 2015. Collection method: clinical testing. Allele origin: germline.
Comment: This variant is classified as likely benign based on ACMG/AMP sequence variant interpretation guidelines (Richards et al. 2015 PMID: 25741868, with internal and published modifications).

Labcorp Genetics (formerly Invitae), Labcorp
Classification: Likely benign for Zellweger spectrum disorders. Last evaluated: 2023-03-20. Review status: criteria provided, single submitter. Criteria: Invitae Variant Classification Sherloc (09022015). Collection method: clinical testing. Allele origin: germline.

NM_000466.3(PEX1):c.2902T>C (p.Leu968=)

Genes: GATAD1 (GATA zinc finger domain containing 1; plus strand), PEX1 (peroxisomal biogenesis factor 1; minus strand). Cytogenetic location: 7q21.2.
Variant type: single nucleotide variant.
Coding change: c.2902T>C on transcript NM_000466.3 (MANE Select); coding-DNA position 2902, T replaced by C.
Protein change: p.Leu968=; no amino-acid change (leucine 968 retained).
Molecular consequence: synonymous variant.
Genome position (GRCh38, 1-based): chr7:92,494,511, A>G on the plus strand (T>C on the coding strand, the complement: PEX1 is on the minus strand). VCF-style: chr7-92494511-A-G. GRCh37 (hg19) VCF-style: chr7-92123825-A-G.
Other names: c.2902T>C (NM_000466.2); c.2731T>C, p.Leu911= (NM_001282677.2); c.2278T>C, p.Leu760= (NM_001282678.2).
Identifiers: ClinVar variation 1606149 (VCV001606149.9), dbSNP rs933191144, ClinGen allele CA456481561.